The following is an entry in ClinVar:

ClinVar aggregate classification (germline): Likely pathogenic (1 of 4 stars; one submission).

Conditions:
Pyle metaphyseal dysplasia (PYL). Also called: Metaphyseal dysostosis; Pyle disease. Identifiers: Orphanet 3005, MedGen C0265294, MONDO:0009943, OMIM 265900.

Allele frequency attached by ClinVar (database versions not stated): gnomAD exomes below 0.00001.
gnomAD v4.1: 1 of 1,614,114 alleles (0.000062%); highest among the groups gnomAD compares: Non-Finnish European, 0.000085%; no homozygotes.

Submission:

MNM Diagnostics
Classification: Likely pathogenic for Pyle metaphyseal dysplasia. Last evaluated: 2019-08-19. Review status: criteria provided, single submitter. Criteria: ACMG Guidelines, 2015. Collection method: clinical testing. Allele origin: inherited. Inheritance: Autosomal recessive inheritance. Affected: yes. Observed: 2 variant alleles.
Comment: According to ACMG Guidelines, the variant meets the following evidence of pathogenicity: PP3, PM1, PM2, PM3. Of note, the variant was identified in trans with NM_003014.3:c.161C>A variant in two patients (syblings) with Pyle's disease).

Literature cited by the submitters: PubMed 33193738.

NM_003014.4(SFRP4):c.373T>A (p.Cys125Ser)

Gene: SFRP4 (secreted frizzled related protein 4; minus strand). Cytogenetic location: 7p14.1.
Variant type: single nucleotide variant.
Coding change: c.373T>A on transcript NM_003014.4 (MANE Select); coding-DNA position 373, T replaced by A.
Protein change: p.Cys125Ser; replaces cysteine 125 with serine.
Molecular consequence: missense variant.
Genome position (GRCh38, 1-based): chr7:37,916,165, A>T on the plus strand (T>A on the coding strand, the complement: SFRP4 is on the minus strand). VCF-style: chr7-37916165-A-T. GRCh37 (hg19) VCF-style: chr7-37955767-A-T.
Other names: short protein forms C125S.
Identifiers: ClinVar variation 989455 (VCV000989455.1), dbSNP rs1344808304, ClinGen allele CA367220408.